The following is an entry in ClinVar:

ClinVar aggregate classification (germline): Uncertain significance (1 of 4 stars; one submission).

Conditions:
Early Myoclonic Encephalopathy. Identifiers: MedGen C0270855.

Allele frequency attached by ClinVar (database versions not stated): TOPMed 0.00001; gnomAD exomes below 0.00001; gnomAD 0.00001.
gnomAD v4.1: 3 of 1,613,776 alleles (0.00019%); highest among the groups gnomAD compares: Non-Finnish European, 0.00017%; no homozygotes.

Submission:

Labcorp Genetics (formerly Invitae), Labcorp
Classification: Uncertain significance for Early Myoclonic Encephalopathy. Last evaluated: 2019-03-07. Review status: criteria provided, single submitter. Criteria: Invitae Variant Classification Sherloc (09022015). Collection method: clinical testing. Allele origin: germline.
Comment: This variant has not been reported in the literature in individuals with JMJD1C-related conditions. In summary, the available evidence is currently insufficient to determine the role of this variant in disease. Therefore, it has been classified as a Variant of Uncertain Significance. Algorithms developed to predict the effect of missense changes on protein structure and function are either unavailable or do not agree on the potential impact of this missense change (SIFT: "Deleterious"; PolyPhen-2: "Possibly Damaging"; Align-GVGD: "Class C0"). This variant is not present in population databases (ExAC no frequency). This sequence change replaces proline with leucine at codon 935 of the JMJD1C protein (p.Pro935Leu). The proline residue is moderately conserved and there is a moderate physicochemical difference between proline and leucine.

NM_032776.3(JMJD1C):c.2804C>T (p.Pro935Leu)

Gene: JMJD1C (jumonji domain containing 1C; minus strand). Cytogenetic location: 10q21.3.
Variant type: single nucleotide variant.
Coding change: c.2804C>T on transcript NM_032776.3 (MANE Select); coding-DNA position 2804, C replaced by T.
Protein change: p.Pro935Leu; replaces proline 935 with leucine.
Molecular consequence: missense variant. On other transcripts: non-coding transcript variant (1).
Genome position (GRCh38, 1-based): chr10:63,209,126, G>A on the plus strand (C>T on the coding strand, the complement: JMJD1C is on the minus strand). VCF-style: chr10-63209126-G-A. GRCh37 (hg19) VCF-style: chr10-64968886-G-A.
Other names: c.2258C>T, p.Pro753Leu (NM_001282948.2, NM_001318154.2); c.1940C>T, p.Pro647Leu (NM_001318153.2); c.2690C>T, p.Pro897Leu (NM_001322252.2); c.2147C>T, p.Pro716Leu (NM_001322254.2, NM_001322258.2); short protein forms P716L, P935L, P753L, P647L, P897L.
Identifiers: ClinVar variation 834798 (VCV000834798.9), dbSNP rs1421416607, ClinGen allele CA377043577.